The following is an entry in ClinVar:

NM_004655.4(AXIN2):c.1255A>T (p.Thr419Ser)

Gene: AXIN2 (axin 2; minus strand). Cytogenetic location: 17q24.1.
Variant type: single nucleotide variant.
Coding change: c.1255A>T on transcript NM_004655.4 (MANE Select); coding-DNA position 1255, A replaced by T.
Protein change: p.Thr419Ser; replaces threonine 419 with serine.
Molecular consequence: missense variant.
Genome position (GRCh38, 1-based): chr17:65,537,781, T>A on the plus strand (A>T on the coding strand, the complement: AXIN2 is on the minus strand). VCF-style: chr17-65537781-T-A. GRCh37 (hg19) VCF-style: chr17-63533899-T-A.
Other names: c.1255A>T, p.Thr419Ser (NM_001363813.1); short protein forms T419S.
Identifiers: ClinVar variation 1761675 (VCV001761675.3), dbSNP rs2043961502, ClinGen allele CA400677870.

ClinVar aggregate classification (germline): Uncertain significance. Review status: criteria provided, multiple submitters, no conflicts (2 of 4 stars). 2 submissions from 2 submitters: Uncertain significance (2). Last evaluated 2025-12-09.

Conditions:
Hereditary cancer-predisposing syndrome. Also called: Neoplastic Syndromes, Hereditary; Tumor predisposition; Hereditary Cancer Syndrome; Hereditary neoplastic syndrome. Identifiers: Orphanet 140162, MedGen C0027672, MeSH D009386, MONDO:0015356.
Oligodontia-cancer predisposition syndrome. Also called: TOOTH AGENESIS-COLORECTAL CANCER SYNDROME. Identifiers: Orphanet 300576, MedGen C1837750, MONDO:0012075, OMIM 608615. Disease mechanism: loss of function.

Submissions (2):

Labcorp Genetics (formerly Invitae), Labcorp
Classification: Uncertain significance for Oligodontia-cancer predisposition syndrome. Last evaluated: 2025-12-09. Review status: criteria provided, single submitter. Criteria: Invitae Variant Classification Sherloc (09022015). Collection method: clinical testing. Allele origin: germline.
Comment: This sequence change replaces threonine, which is neutral and polar, with serine, which is neutral and polar, at codon 419 of the AXIN2 protein (p.Thr419Ser). This variant is not present in population databases (gnomAD no frequency). This variant has not been reported in the literature in individuals affected with AXIN2-related conditions. ClinVar contains an entry for this variant (Variation ID: 1761675). Invitae Evidence Modeling of protein sequence and biophysical properties (such as structural, functional, and spatial information, amino acid conservation, physicochemical variation, residue mobility, and thermodynamic stability) indicates that this missense variant is not expected to disrupt AXIN2 protein function with a negative predictive value of 80%. In summary, the available evidence is currently insufficient to determine the role of this variant in disease. Therefore, it has been classified as a Variant of Uncertain Significance.

Ambry Genetics
Classification: Uncertain significance for Hereditary cancer-predisposing syndrome. Last evaluated: 2021-07-09. Review status: criteria provided, single submitter. Criteria: Ambry Variant Classification Scheme 2023. Collection method: clinical testing. Allele origin: germline.
Comment: The p.T419S variant (also known as c.1255A>T), located in coding exon 5 of the AXIN2 gene, results from an A to T substitution at nucleotide position 1255. The threonine at codon 419 is replaced by serine, an amino acid with similar properties. This amino acid position is conserved. In addition, this alteration is predicted to be tolerated by in silico analysis. Since supporting evidence is limited at this time, the clinical significance of this alteration remains unclear.